The following is an entry in ClinVar:

NM_207346.3(TSEN54):c.370-6T>G

Gene: TSEN54 (tRNA splicing endonuclease subunit 54; plus strand). Cytogenetic location: 17q25.1.
Variant type: single nucleotide variant.
Coding change: c.370-6T>G on transcript NM_207346.3 (MANE Select); 6 bases into the intron before coding-DNA position 370, T replaced by G.
Molecular consequence: intron variant.
Genome position (GRCh38, 1-based): chr17:75,517,551, T>G. VCF-style: chr17-75517551-T-G. GRCh37 (hg19) VCF-style: chr17-73513632-T-G.
Identifiers: ClinVar variation 1384719 (VCV001384719.6), dbSNP rs2147007790, ClinGen allele CA2573154902.

ClinVar aggregate classification (germline): Uncertain significance (1 of 4 stars; one submission).

Submission:

Labcorp Genetics (formerly Invitae), Labcorp
Classification: Uncertain significance. Last evaluated: 2021-12-02. Review status: criteria provided, single submitter. Criteria: Invitae Variant Classification Sherloc (09022015). Collection method: clinical testing. Allele origin: germline.
Comment: This sequence change falls in intron 4 of the TSEN54 gene. It does not directly change the encoded amino acid sequence of the TSEN54 protein. This variant is not present in population databases (gnomAD no frequency). This variant has not been reported in the literature in individuals affected with TSEN54-related conditions. Algorithms developed to predict the effect of sequence changes on RNA splicing suggest that this variant may disrupt the consensus splice site. In summary, the available evidence is currently insufficient to determine the role of this variant in disease. Therefore, it has been classified as a Variant of Uncertain Significance.